The following is an entry in ClinVar:

NM_004523.4(KIF11):c.112C>T (p.His38Tyr)

Gene: KIF11 (kinesin family member 11; plus strand). Cytogenetic location: 10q23.33.
Variant type: single nucleotide variant.
Coding change: c.112C>T on transcript NM_004523.4 (MANE Select); coding-DNA position 112, C replaced by T.
Protein change: p.His38Tyr; replaces histidine 38 with tyrosine.
Molecular consequence: missense variant.
Genome position (GRCh38, 1-based): chr10:92,606,299, C>T. VCF-style: chr10-92606299-C-T. GRCh37 (hg19) VCF-style: chr10-94366056-C-T.
Other names: short protein forms H38Y.
Identifiers: ClinVar variation 4622920 (VCV004622920.2).

ClinVar aggregate classification (germline): Uncertain significance. Review status: criteria provided, multiple submitters, no conflicts (2 of 4 stars). 2 submissions from 2 submitters: Uncertain significance (2). Last evaluated 2026-04-03.

Conditions:
KIF11-related disorder. Also called: KIF11-related condition.
Inborn genetic diseases. Identifiers: MedGen C0950123, MeSH D030342.

Submissions (2):

PreventionGenetics, part of Exact Sciences
Classification: Uncertain significance for KIF11-related condition. Last evaluated: 2026-04-03. Review status: criteria provided, single submitter. Criteria: ACMG Guidelines, 2015. Collection method: clinical testing. Allele origin: germline.
Comment: The KIF11 c.112C>T variant is predicted to result in the amino acid substitution p.His38Tyr. To our knowledge, this variant has not been reported in the literature or in a large population database (gnomAD), indicating this variant is rare. At this time, the clinical significance of this variant is uncertain due to the absence of conclusive functional and genetic evidence.

Ambry Genetics
Classification: Uncertain significance for Inborn genetic diseases. Last evaluated: 2025-10-28. Review status: criteria provided, single submitter. Criteria: Ambry Variant Classification Scheme 2023. Collection method: clinical testing. Allele origin: germline.